The following is an entry in ClinVar:

ClinVar aggregate classification (germline): Benign/Likely benign. Review status: criteria provided, multiple submitters, no conflicts (2 of 4 stars). 3 submissions from 3 submitters: Benign (1); Likely benign (2). Last evaluated 2026-07-08.

Conditions:
Hereditary cancer-predisposing syndrome. Also called: Tumor predisposition; Neoplastic Syndromes, Hereditary; Hereditary Cancer Syndrome; Hereditary neoplastic syndrome. Identifiers: Orphanet 140162, MedGen C0027672, MeSH D009386, MONDO:0015356.
Rhabdoid tumor predisposition syndrome 2 (RTPS2). Identifiers: Orphanet 231108, Orphanet 69077, MedGen C2750074, MONDO:0013224, OMIM 613325.

Allele frequency attached by ClinVar (database versions not stated): gnomAD exomes below 0.00001.
gnomAD v4.1: 1 of 1,613,600 alleles (0.000062%); highest among the groups gnomAD compares: South Asian, 0.0011%; no homozygotes.

Submissions (3):

Myriad Genetics, Inc.
Classification: Benign for Rhabdoid tumor predisposition syndrome 2. Last evaluated: 2026-07-08. Review status: criteria provided, single submitter. Criteria: Myriad Autosomal Dominant, Autosomal Recessive and X-Linked Classification Criteria (2023). Collection method: clinical testing. Allele origin: unknown.
Comment: This variant is considered benign. This variant is a silent/synonymous amino acid change and it is not expected to impact splicing.

Labcorp Genetics (formerly Invitae), Labcorp
Classification: Likely benign for Rhabdoid tumor predisposition syndrome 2. Last evaluated: 2023-12-11. Review status: criteria provided, single submitter. Criteria: Invitae Variant Classification Sherloc (09022015). Collection method: clinical testing. Allele origin: germline.

Ambry Genetics
Classification: Likely benign for Hereditary cancer-predisposing syndrome. Last evaluated: 2017-07-27. Review status: criteria provided, single submitter. Criteria: Ambry Variant Classification Scheme 2023. Collection method: clinical testing. Allele origin: germline.

NM_003072.5(SMARCA4):c.360C>T (p.Tyr120=)

Gene: SMARCA4 (SWI/SNF related BAF chromatin remodeling complex subunit ATPase 4; plus strand). Cytogenetic location: 19p13.2.
Variant type: single nucleotide variant.
Coding change: c.360C>T on transcript NM_003072.5 (MANE Select); coding-DNA position 360, C replaced by T.
Protein change: p.Tyr120=; no amino-acid change (tyrosine 120 retained).
Molecular consequence: synonymous variant. On other transcripts: non-coding transcript variant (1).
Genome position (GRCh38, 1-based): chr19:10,986,193, C>T. VCF-style: chr19-10986193-C-T. GRCh37 (hg19) VCF-style: chr19-11096869-C-T.
Other names: c.360C>T, p.Tyr120= (NM_001128844.3, NM_001128845.2, NM_001128846.2 and 5 more transcripts).
Identifiers: ClinVar variation 484959 (VCV000484959.14), dbSNP rs1555752854, ClinGen allele CA505488443.